The following is an entry in ClinVar:

ClinVar aggregate classification (germline): Conflicting classifications of pathogenicity. Review status: criteria provided, conflicting classifications (1 of 4 stars). 3 submissions from 3 submitters: Likely pathogenic (1); Uncertain significance (2). Last evaluated 2025-05-14.

Conditions:
Muscular dystrophy-dystroglycanopathy (congenital with impaired intellectual development), type B, 3. Also called: Muscular dystrophy-dystroglycanopathy (congenital with intellectual disability), type B3; MUSCULAR DYSTROPHY, CONGENITAL, POMGNT1-RELATED. Identifiers: MedGen C3150412, MONDO:0013155, OMIM 613151.
Autosomal recessive limb-girdle muscular dystrophy type 2O. Also called: MUSCULAR DYSTROPHY-DYSTROGLYCANOPATHY, LIMB-GIRDLE, POMGNT1-RELATED; Limb-Girdle Muscular Dystrophy Type 3C; MUSCULAR DYSTROPHY-DYSTROGLYCANOPATHY (LIMB-GIRDLE), TYPE C, 3. Identifiers: Orphanet 206564, MedGen C3150417, MONDO:0013161, OMIM 613157.

Allele frequency attached by ClinVar (database versions not stated): gnomAD exomes below 0.00001; gnomAD 0.00002 and 0.00001; TOPMed 0.00002.
gnomAD v4.1: 10 of 1,612,512 alleles (0.00062%); highest among the groups gnomAD compares: African/African-American, 0.0027%; no homozygotes.

Submissions (3):

Women's Health and Genetics/Laboratory Corporation of America, LabCorp
Classification: Uncertain significance. Last evaluated: 2025-05-14. Review status: criteria provided, single submitter. Criteria: LabCorp Variant Classification Summary - May 2015. Collection method: clinical testing. Allele origin: germline.
Comment: Variant summary: POMGNT1 c.1813C>T (p.Arg605Cys) results in a non-conservative amino acid change in the encoded protein sequence. Algorithms developed to predict the effect of missense changes on protein structure and function all suggest that this variant is likely to be disruptive. The variant was absent in 248792 control chromosomes. The available data on variant occurrences in the general population are insufficient to allow any conclusion about variant significance. To our knowledge, no occurrence of c.1813C>T in individuals affected with Limb-Girdle Muscular Dystrophy, Autosomal Recessive and no experimental evidence demonstrating its impact on protein function have been reported. ClinVar contains an entry for this variant (Variation ID: 290842). Based on the evidence outlined above, the variant was classified as uncertain significance.

Labcorp Genetics (formerly Invitae), Labcorp
Classification: Likely pathogenic for Autosomal recessive limb-girdle muscular dystrophy type 2O; Muscular dystrophy-dystroglycanopathy (congenital with impaired intellectual development), type B, 3. Last evaluated: 2023-08-31. Review status: criteria provided, single submitter. Criteria: Invitae Variant Classification Sherloc (09022015). Collection method: clinical testing. Allele origin: germline.
Comment: In summary, the currently available evidence indicates that the variant is pathogenic, but additional data are needed to prove that conclusively. Therefore, this variant has been classified as Likely Pathogenic. This variant disrupts the p.Arg605 amino acid residue in POMGNT1. Other variant(s) that disrupt this residue have been determined to be pathogenic (PMID: 19679478, 24731844). This suggests that this residue is clinically significant, and that variants that disrupt this residue are likely to be disease-causing. Advanced modeling of protein sequence and biophysical properties (such as structural, functional, and spatial information, amino acid conservation, physicochemical variation, residue mobility, and thermodynamic stability) performed at Invitae indicates that this missense variant is expected to disrupt POMGNT1 protein function. ClinVar contains an entry for this variant (Variation ID: 290842). This variant has not been reported in the literature in individuals affected with POMGNT1-related conditions. This variant is not present in population databases (gnomAD no frequency). This sequence change replaces arginine, which is basic and polar, with cysteine, which is neutral and slightly polar, at codon 605 of the POMGNT1 protein (p.Arg605Cys).

Eurofins Ntd Llc (ga)
Classification: Uncertain significance. Last evaluated: 2016-09-13. Review status: criteria provided, single submitter. Criteria: EGL Classification Definitions 2015. Collection method: clinical testing. Allele origin: germline. Observed: 1 variant allele, 1 heterozygote.

Literature cited by the submitters: PubMed 19679478 (cited by Labcorp Genetics (formerly Invitae), Labcorp); PubMed 24731844 (cited by Labcorp Genetics (formerly Invitae), Labcorp).

NM_017739.4(POMGNT1):c.1813C>T (p.Arg605Cys)

Genes: POMGNT1 (protein O-linked mannose N-acetylglucosaminyltransferase 1 (beta 1,2-); minus strand), TSPAN1 (tetraspanin 1; plus strand). Cytogenetic location: 1p34.1.
Variant type: single nucleotide variant.
Coding change: c.1813C>T on transcript NM_017739.4 (MANE Select); coding-DNA position 1813, C replaced by T.
Protein change: p.Arg605Cys; replaces arginine 605 with cysteine.
Molecular consequence: missense variant.
Genome position (GRCh38, 1-based): chr1:46,189,540, G>A on the plus strand (C>T on the coding strand, the complement: POMGNT1 is on the minus strand). VCF-style: chr1-46189540-G-A. GRCh37 (hg19) VCF-style: chr1-46655212-G-A.
Other names: c.1813C>T, p.Arg605Cys (NM_001243766.2, NM_001410783.1); c.1747C>T, p.Arg583Cys (NM_001290129.3); c.1384C>T, p.Arg462Cys (NM_001290130.2); short protein forms R605C, R583C, R462C.
Identifiers: ClinVar variation 290842 (VCV000290842.10), dbSNP rs886044567, ClinGen allele CA10606918.